The following is an entry in ClinVar:

NM_020247.5(COQ8A):c.384C>T (p.Ala128=)

Gene: COQ8A (coenzyme Q8A; plus strand). Cytogenetic location: 1q42.13.
Variant type: single nucleotide variant.
Coding change: c.384C>T on transcript NM_020247.5 (MANE Select); coding-DNA position 384, C replaced by T.
Protein change: p.Ala128=; no amino-acid change (alanine 128 retained).
Molecular consequence: synonymous variant.
Genome position (GRCh38, 1-based): chr1:226,965,206, C>T. VCF-style: chr1-226965206-C-T. GRCh37 (hg19) VCF-style: chr1-227152907-C-T.
Identifiers: ClinVar variation 377442 (VCV000377442.46), dbSNP rs139970507, ClinGen allele CA1424999.
Genomic context (GRCh38, chr1:226,965,206, plus strand): 5'-TCATGCCCACAGCGAGGGCCCAGCTCCTGCCTACGTGGCCAGTGGACCCTTTAGAGAAGC[C>T]GGGTTCCCCGGCCAGGCCTCCTCCCCTCTGGGCAGGGCCAACGGGAGGCTCTTTGCAAAC-3'
Protein context (NP_064632.2, residues 118-138): AYVASGPFRE[Ala128=]GFPGQASSPL

ClinVar aggregate classification (germline): Benign/Likely benign. Review status: criteria provided, multiple submitters, no conflicts (2 of 4 stars). 10 submissions from 10 submitters: Benign (3); Likely benign (4). 3 of the submissions do not count toward it. Last evaluated 2026-01-26.

Conditions:
Autosomal recessive ataxia due to ubiquinone deficiency. Also called: Coenzyme Q10 deficiency, primary, 4; SPINOCEREBELLAR ATAXIA, AUTOSOMAL RECESSIVE 9. Identifiers: Orphanet 139485, MedGen C2677589, MONDO:0012784, OMIM 612016.
COQ8A-related disorder. Also called: COQ8A-related condition.

Allele frequency attached by ClinVar (database versions not stated): gnomAD exomes 0.00030 and 0.00084; ExAC 0.00095; 1000 Genomes Project 0.00220; gnomAD 0.00236 and 0.00250; 1000 Genomes Project 30x 0.00250; TOPMed 0.00272; ESP Exome Variant Server 0.00361.

Submissions (10):

Labcorp Genetics (formerly Invitae), Labcorp
Classification: Benign. Last evaluated: 2026-01-26. Review status: criteria provided, single submitter. Criteria: Invitae Variant Classification Sherloc (09022015). Collection method: clinical testing. Allele origin: germline.

Athena Diagnostics
Classification: Benign. Last evaluated: 2025-06-23. Review status: criteria provided, single submitter. Criteria: Athena Diagnostics Criteria. Collection method: clinical testing. Allele origin: unknown.
Comment: The frequency of this variant in the general population is higher than would generally be expected for pathogenic variants in this gene. Computational tools yielded predictions that this variant is unlikely to have an effect on normal RNA splicing. This nucleotide position exhibits low evolutionary conservation.

Blueprint Genetics
Classification: Likely benign. Last evaluated: 2024-08-28. Review status: criteria provided, single submitter. Criteria: ACMG Guidelines, 2015. Collection method: clinical testing. Allele origin: germline.

CeGaT Center for Human Genetics Tuebingen
Classification: Likely benign. Last evaluated: 2023-10-01. Review status: criteria provided, single submitter. Criteria: CeGaT Center For Human Genetics Tuebingen Variant Classification Criteria Version 2. Collection method: clinical testing. Allele origin: germline. Affected: yes. Observed: 2 variant alleles.
Comment: COQ8A: BP4, BP7, BS2

Illumina Laboratory Services, Illumina
Classification: Likely benign for Autosomal recessive ataxia due to ubiquinone deficiency. Last evaluated: 2018-01-13. Review status: criteria provided, single submitter. Criteria: ICSL Variant Classification Criteria 13 December 2019. Collection method: clinical testing. Allele origin: germline.
Comment: This variant was observed in the ICSL laboratory as part of a predisposition screen in an ostensibly healthy population. It had not been previously curated by ICSL or reported in the Human Gene Mutation Database (HGMD: prior to June 1st, 2018), and was therefore a candidate for classification through an automated scoring system. Utilizing variant allele frequency, disease prevalence and penetrance estimates, and inheritance mode, an automated score was calculated to assess if this variant is too frequent to cause the disease. Based on the score and internal cut-off values, a variant classified as likely benign is not then subjected to further curation. The score for this variant resulted in a classification of likely benign for this disease.

GeneDx
Classification: Benign. Last evaluated: 2015-09-14. Review status: criteria provided, single submitter. Criteria: GeneDx Variant Classification (06012015). Collection method: clinical testing. Allele origin: germline. Affected: yes.
Comment: This variant is considered likely benign or benign based on one or more of the following criteria: it is a conservative change, it occurs at a poorly conserved position in the protein, it is predicted to be benign by multiple in silico algorithms, and/or has population frequency not consistent with disease.

Breakthrough Genomics
Classification: Likely benign. Review status: criteria provided, single submitter. Criteria: ACMG Guidelines, 2015. Collection method: not provided. Allele origin: germline. Inheritance: Autosomal recessive inheritance. Affected: yes.

PreventionGenetics, part of Exact Sciences
Classification: Benign for COQ8A-related condition. Last evaluated: 2021-03-03. Review status: no assertion criteria provided. Collection method: clinical testing. Allele origin: germline. Not counted in ClinVar's aggregate classification.
Comment: This variant is classified as benign based on ACMG/AMP sequence variant interpretation guidelines (Richards et al. 2015 PMID: 25741868, with internal and published modifications).

Clinical Genetics DNA and cytogenetics Diagnostics Lab, Erasmus MC, Erasmus Medical Center
Classification: Likely benign. Review status: no assertion criteria provided. Collection method: clinical testing. Allele origin: germline. Affected: yes. Study: VKGL Data-share Consensus. Not counted in ClinVar's aggregate classification.

Joint Genome Diagnostic Labs from Nijmegen and Maastricht, Radboudumc and MUMC+
Classification: Benign. Review status: no assertion criteria provided. Collection method: clinical testing. Allele origin: germline. Affected: yes. Study: VKGL Data-share Consensus. Not counted in ClinVar's aggregate classification.